The following is an entry in ClinVar:

ClinVar aggregate classification (germline): Pathogenic (1 of 4 stars; one submission).

Conditions:
Neurofibromatosis, type 1 (NF1). Also called: NEUROFIBROMATOSIS, TYPE I, SOMATIC; VON RECKLINGHAUSEN DISEASE; Peripheral type neurofibromatosis; Neurofibromatosis, type I. Identifiers: Orphanet 636, MedGen C0027831, MONDO:0018975, OMIM 162200. Disease mechanism: loss of function.

Submission:

Labcorp Genetics (formerly Invitae), Labcorp
Classification: Pathogenic for Neurofibromatosis, type 1. Last evaluated: 2019-09-22. Review status: criteria provided, single submitter. Criteria: Invitae Variant Classification Sherloc (09022015). Collection method: clinical testing. Allele origin: germline.
Comment: For these reasons, this variant has been classified as Pathogenic. Loss-of-function variants in NF1 are known to be pathogenic (PMID: 10712197, 23913538). This variant has been reported in individuals in the Leiden Open-source Variation Database (PMID: 21520333). This variant is not present in population databases (ExAC no frequency). This sequence change creates a premature translational stop signal (p.Lys2125*) in the NF1 gene. It is expected to result in an absent or disrupted protein product.

Literature cited by the submitters: PubMed 10712197; PubMed 23913538; PubMed 21520333.

NM_001042492.3(NF1):c.6436A>T (p.Lys2146Ter)

Gene: NF1 (neurofibromin 1; plus strand). Cytogenetic location: 17q11.2.
Variant type: single nucleotide variant.
Coding change: c.6436A>T on transcript NM_001042492.3 (MANE Select); coding-DNA position 6436, A replaced by T.
Protein change: p.Lys2146Ter; replaces lysine 2146 with a stop codon.
Molecular consequence: nonsense.
Genome position (GRCh38, 1-based): chr17:31,337,376, A>T. VCF-style: chr17-31337376-A-T. GRCh37 (hg19) VCF-style: chr17-29664394-A-T.
Other names: c.6373A>T, p.Lys2125Ter (NM_000267.4); short protein forms K2125*, K2146*.
Identifiers: ClinVar variation 639020 (VCV000639020.7), dbSNP rs1597843675, ClinGen allele CA399013005.